The following is an entry in ClinVar:

NM_152393.4(KLHL40):c.968T>G (p.Ile323Ser)

Gene: KLHL40 (kelch like family member 40; plus strand). Cytogenetic location: 3p22.1.
Variant type: single nucleotide variant.
Coding change: c.968T>G on transcript NM_152393.4 (MANE Select); coding-DNA position 968, T replaced by G.
Protein change: p.Ile323Ser; replaces isoleucine 323 with serine.
Molecular consequence: missense variant.
Genome position (GRCh38, 1-based): chr3:42,686,586, T>G. VCF-style: chr3-42686586-T-G. GRCh37 (hg19) VCF-style: chr3-42728078-T-G.
Other names: p.Ile323Ser; short protein forms I323S.
Identifiers: ClinVar variation 279825 (VCV000279825.12), dbSNP rs146161469, ClinGen allele CA2336775.
Genomic context (GRCh38, chr3:42,686,586, plus strand): 5'-CTGGGATCCTCAATGACACCCTGCGCTTCGGCATGTTCCTGCAGGATCTCATCTTCATGA[T>G]CAGTGAGGAGGGCGCTGTGGCCTACGATCCAGCAGCCAACGAGTGCTACTGTGCTTCCCT-3'
Protein context (NP_689606.2, residues 313-333): GMFLQDLIFM[Ile323Ser]SEEGAVAYDP

ClinVar aggregate classification (germline): Uncertain significance. Review status: criteria provided, multiple submitters, no conflicts (2 of 4 stars). 6 submissions from 6 submitters: Uncertain significance (5). 1 of the submissions does not count toward it. Last evaluated 2024-03-28.

Conditions:
Nemaline myopathy 8 (NEM8). Also called: Nemaline myopathy 8, autosomal recessive. Identifiers: Orphanet 171430, MedGen C3809209, MONDO:0014138, OMIM 615348.

Allele frequency attached by ClinVar (database versions not stated): gnomAD 0.00038 and 0.00043; ESP Exome Variant Server 0.00054; 1000 Genomes Project 30x 0.00031; TOPMed 0.00042; gnomAD exomes 0.00041; 1000 Genomes Project 0.00020; ExAC 0.00042.

Submissions (6):

Women's Health and Genetics/Laboratory Corporation of America, LabCorp
Classification: Uncertain significance. Last evaluated: 2024-03-28. Review status: criteria provided, single submitter. Criteria: LabCorp Variant Classification Summary - May 2015. Collection method: clinical testing. Allele origin: germline.
Comment: Variant summary: KLHL40 c.968T>G (p.Ile323Ser) results in a non-conservative amino acid change in the encoded protein sequence. Three of five in-silico tools predict a damaging effect of the variant on protein function. The variant allele was found at a frequency of 0.00041 in 251450 control chromosomes (gnomAD). To our knowledge, no occurrence of c.968T>G in individuals affected with Nemaline Myopathy 8 and no experimental evidence demonstrating its impact on protein function have been reported. ClinVar contains an entry for this variant (Variation ID: 279825). Based on the evidence outlined above, the variant was classified as uncertain significance.

Labcorp Genetics (formerly Invitae), Labcorp
Classification: Uncertain significance for Nemaline myopathy 8. Last evaluated: 2024-01-02. Review status: criteria provided, single submitter. Criteria: Invitae Variant Classification Sherloc (09022015). Collection method: clinical testing. Allele origin: germline.
Comment: This sequence change replaces isoleucine, which is neutral and non-polar, with serine, which is neutral and polar, at codon 323 of the KLHL40 protein (p.Ile323Ser). This variant is present in population databases (rs146161469, gnomAD 0.07%). This variant has not been reported in the literature in individuals affected with KLHL40-related conditions. ClinVar contains an entry for this variant (Variation ID: 279825). Advanced modeling of protein sequence and biophysical properties (such as structural, functional, and spatial information, amino acid conservation, physicochemical variation, residue mobility, and thermodynamic stability) has been performed at Invitae for this missense variant, however the output from this modeling did not meet the statistical confidence thresholds required to predict the impact of this variant on KLHL40 protein function. In summary, the available evidence is currently insufficient to determine the role of this variant in disease. Therefore, it has been classified as a Variant of Uncertain Significance.

Revvity Omics, Revvity
Classification: Uncertain significance for Nemaline myopathy 8. Last evaluated: 2023-10-30. Review status: criteria provided, single submitter. Criteria: ACMG Guidelines, 2015. Collection method: clinical testing. Allele origin: germline.

GeneDx
Classification: Uncertain significance. Last evaluated: 2023-03-27. Review status: criteria provided, single submitter. Criteria: GeneDx Variant Classification Process June 2021. Collection method: clinical testing. Allele origin: germline. Affected: yes.
Comment: In silico analysis supports that this missense variant does not alter protein structure/function; Has not been previously published as pathogenic or benign to our knowledge

Mayo Clinic Laboratories, Mayo Clinic
Classification: Uncertain significance. Last evaluated: 2022-02-11. Review status: criteria provided, single submitter. Criteria: ACMG Guidelines, 2015. Collection method: clinical testing. Allele origin: germline. Observed: 1 variant allele.

Department of Pathology and Laboratory Medicine, Sinai Health System
Classification: Uncertain significance. Review status: no assertion criteria provided. Collection method: clinical testing. Allele origin: unknown. Affected: yes. Study: The Canadian Open Genetics Repository (COGR). Not counted in ClinVar's aggregate classification.
Comment: The KLHL40 p.Ile323Ser variant was not identified in the literature but was identified in dbSNP (ID: rs146161469) and ClinVar (classified as uncertain significance by Invitae for Nemaline myopathy 8 and GeneDx). The variant was identified in control databases in 108 of 282838 chromosomes at a frequency of 0.0003818 increasing the likelihood this could be a low frequency benign variant (Genome Aggregation Database March 6, 2019, v2.1.1). The variant was observed in the following populations: European (non-Finnish) in 96 of 129144 chromosomes (freq: 0.000743), Other in 4 of 7226 chromosomes (freq: 0.000554), European (Finnish) in 3 of 25124 chromosomes (freq: 0.000119), Latino in 4 of 35440 chromosomes (freq: 0.000113) and African in 1 of 24966 chromosomes (freq: 0.00004), but was not observed in the Ashkenazi Jewish, East Asian, or South Asian populations. Although the p.Ile323 residue is not conserved in mammals and other organisms, computational analyses (PolyPhen-2, SIFT, AlignGVGD, BLOSUM, MutationTaster) suggest that the variant may impact the protein. The variant occurs outside of the splicing consensus sequence and 1 of 4 in silico or computational prediction software programs (SpliceSiteFinder, MaxEntScan, NNSPLICE, GeneSplicer) predict a greater than 10% difference in splicing; this is not very predictive of pathogenicity. In summary, based on the above information the clinical significance of this variant cannot be determined with certainty at this time. This variant is classified as a variant of uncertain significance.